The following is an entry in ClinVar:

ClinVar aggregate classification (germline): Uncertain significance. Review status: criteria provided, multiple submitters, no conflicts (2 of 4 stars). 2 submissions from 2 submitters: Uncertain significance (2). Last evaluated 2025-08-02.

Conditions:
MEGF10-related myopathy (CMYO10A). Also called: Congenital myopathy 10A, severe variant. Identifiers: Orphanet 439212, MedGen C3280679, MONDO:0013731, OMIM 614399.

Allele frequency attached by ClinVar (database versions not stated): gnomAD exomes below 0.00001; TOPMed below 0.00001.
gnomAD v4.1: 4 of 1,611,964 alleles (0.00025%); highest among the groups gnomAD compares: Non-Finnish European, 0.00034%; no homozygotes.

Submissions (2):

Labcorp Genetics (formerly Invitae), Labcorp
Classification: Uncertain significance for MEGF10-related myopathy. Last evaluated: 2025-08-02. Review status: criteria provided, single submitter. Criteria: Invitae Variant Classification Sherloc (09022015). Collection method: clinical testing. Allele origin: germline.
Comment: This sequence change replaces valine, which is neutral and non-polar, with leucine, which is neutral and non-polar, at codon 659 of the MEGF10 protein (p.Val659Leu). This variant also falls at the last nucleotide of exon 16, which is part of the consensus splice site for this exon. This variant is not present in population databases (gnomAD no frequency). This variant has not been reported in the literature in individuals affected with MEGF10-related conditions. ClinVar contains an entry for this variant (Variation ID: 809790). An algorithm developed to predict the effect of missense changes on protein structure and function (PolyPhen-2) suggests that this variant is likely to be tolerated. Variants that disrupt the consensus splice site are a relatively common cause of aberrant splicing (PMID: 17576681, 9536098). Algorithms developed to predict the effect of sequence changes on RNA splicing suggest that this variant may disrupt the consensus splice site. In summary, the available evidence is currently insufficient to determine the role of this variant in disease. Therefore, it has been classified as a Variant of Uncertain Significance.

CeGaT Center for Human Genetics Tuebingen
Classification: Uncertain significance. Last evaluated: 2016-05-01. Review status: criteria provided, single submitter. Criteria: CeGaT Center For Human Genetics Tuebingen Variant Classification Criteria Version 2. Collection method: clinical testing. Allele origin: germline. Affected: yes. Observed: 1 variant allele.

Literature cited by the submitters: PubMed 17576681 (cited by Labcorp Genetics (formerly Invitae), Labcorp); PubMed 9536098 (cited by Labcorp Genetics (formerly Invitae), Labcorp).

NM_001256545.2(MEGF10):c.1975G>C (p.Val659Leu)

Gene: MEGF10 (multiple EGF like domains 10; plus strand). Cytogenetic location: 5q23.2.
Variant type: single nucleotide variant.
Coding change: c.1975G>C on transcript NM_001256545.2 (MANE Select); coding-DNA position 1975, G replaced by C.
Protein change: p.Val659Leu; replaces valine 659 with leucine.
Molecular consequence: missense variant.
Genome position (GRCh38, 1-based): chr5:127,434,821, G>C. VCF-style: chr5-127434821-G-C. GRCh37 (hg19) VCF-style: chr5-126770513-G-C.
Other names: c.1975G>C, p.Val659Leu (NM_032446.3); short protein forms V659L.
Identifiers: ClinVar variation 809790 (VCV000809790.55), dbSNP rs1580866706, ClinGen allele CA360732445.
Genomic context (GRCh38, chr5:127,434,821, plus strand): 5'-CACCACATCACCGGCCTGTGTGACTGCTTGCCTGGCTTCACAGGCGCCCTCTGCAATGAA[G>C]GTAAGGCACGAAGCATCCCGGACAGCTGGGTGGTGATGAGCACGCCCCGGAGAGTCTGTC-3'
Protein context (NP_001243474.1, residues 649-669): PGFTGALCNE[Val659Leu]CPSGRFGKNC